The following is an entry in ClinVar:

NM_002185.5(IL7R):c.*651C>G

Gene: IL7R (interleukin 7 receptor; plus strand). Cytogenetic location: 5p13.2.
Variant type: single nucleotide variant.
Coding change: c.*651C>G on transcript NM_002185.5 (MANE Select); 651 bases downstream of the stop codon, C replaced by G.
Molecular consequence: 3 prime UTR variant. On other transcripts: non-coding transcript variant (1).
Genome position (GRCh38, 1-based): chr5:35,877,137, C>G. VCF-style: chr5-35877137-C-G. GRCh37 (hg19) VCF-style: chr5-35877239-C-G.
Identifiers: ClinVar variation 907200 (VCV000907200.4), dbSNP rs77118170, ClinGen allele CA116977222.

ClinVar aggregate classification (germline): Likely benign (1 of 4 stars; one submission).

Conditions:
Immunodeficiency 104. Also called: Severe Combined Immune Deficiency, Autosomal Recessive, TCell -Negative, B Cell-Positive, NK Cell-Positive, IL7R-Related; Severe combined immunodeficiency, autosomal recessive, T cell-negative, B cell-positive, NK cell-positive; IMMUNODEFICIENCY 104, SEVERE COMBINED; SCID, AUTOSOMAL RECESSIVE, T CELL-NEGATIVE, B CELL-POSITIVE, NK CELL-POSITIVE. Identifiers: MedGen C5676890, MONDO:0012163, OMIM 608971.

Allele frequency attached by ClinVar (database versions not stated): gnomAD 0.00016 and 0.00042; TOPMed 0.00022; 1000 Genomes Project 30x 0.00172; 1000 Genomes Project 0.00240; gnomAD exomes 0.00616.
gnomAD v4.1: 529 of 233,828 alleles (0.23%); highest among the groups gnomAD compares: East Asian, 3.1%; 8 homozygotes.

Submission:

Illumina Laboratory Services, Illumina
Classification: Likely benign for Immunodeficiency 104. Last evaluated: 2018-01-13. Review status: criteria provided, single submitter. Criteria: ICSL Variant Classification Criteria 13 December 2019. Collection method: clinical testing. Allele origin: germline.
Comment: This variant was observed in the ICSL laboratory as part of a predisposition screen in an ostensibly healthy population. It had not been previously curated by ICSL or reported in the Human Gene Mutation Database (HGMD: prior to June 1st, 2018), and was therefore a candidate for classification through an automated scoring system. Utilizing variant allele frequency, disease prevalence and penetrance estimates, and inheritance mode, an automated score was calculated to assess if this variant is too frequent to cause the disease. Based on the score and internal cut-off values, a variant classified as likely benign is not then subjected to further curation. The score for this variant resulted in a classification of likely benign for this disease.